The following is an entry in ClinVar:

NM_001304548.2(CFAP47):c.675A>G (p.Gln225=)

Gene: CFAP47 (cilia and flagella associated protein 47; plus strand). Cytogenetic location: Xp21.1.
Variant type: single nucleotide variant.
Coding change: c.675A>G on transcript NM_001304548.2 (MANE Select); coding-DNA position 675, A replaced by G.
Protein change: p.Gln225=; no amino-acid change (glutamine 225 retained).
Molecular consequence: synonymous variant.
Genome position (GRCh38, 1-based): chrX:35,951,149, A>G. VCF-style: chrX-35951149-A-G. GRCh37 (hg19) VCF-style: chrX-35969266-A-G.
Other names: c.675A>G, p.Gln225= (NM_152632.4).
Identifiers: ClinVar variation 5040346 (VCV005040346.1).
Genomic context (GRCh38, chrX:35,951,149, plus strand): 5'-AATTAAAATATGTATGTATGTGCATATCTTATTATCCTGTAGAGTGATTTTGCAAGGTCA[A>G]CCTGAGATGCTCTTGAGTATCAAAGCTCATGTGGTTGAGCAGATTATTGAATTATTAAGC-3'
Protein context (NP_001291477.1, residues 215-235): DEEAIVILQG[Gln225=]PEMLLSIKAH

ClinVar aggregate classification (germline): Likely benign (1 of 4 stars; one submission).

gnomAD v4.1: 1 of 1,209,603 alleles (0.000083%); highest among the groups gnomAD compares: Non-Finnish European, 0.00011%; no homozygotes.

Submission:

CeGaT Center for Human Genetics Tuebingen
Classification: Likely benign. Last evaluated: 2026-07-01. Review status: criteria provided, single submitter. Criteria: CeGaT Center For Human Genetics Tuebingen Variant Classification Criteria Version 2. Collection method: clinical testing. Allele origin: germline. Affected: yes. Observed: 1 variant allele.
Comment: CFAP47: BP4, BP7